The following is an entry in ClinVar:

ClinVar aggregate classification (germline): Uncertain significance (1 of 4 stars; one submission).

Conditions:
GM3 synthase deficiency (SPDRS). Also called: SALT AND PEPPER MENTAL RETARDATION SYNDROME; AMISH INFANTILE EPILEPSY SYNDROME; SALT AND PEPPER DEVELOPMENTAL REGRESSION SYNDROME. Identifiers: Orphanet 171714, Orphanet 370933, MedGen C1836824, MONDO:0018274, OMIM 609056.

Submission:

Labcorp Genetics (formerly Invitae), Labcorp
Classification: Uncertain significance for GM3 synthase deficiency. Last evaluated: 2022-09-27. Review status: criteria provided, single submitter. Criteria: Invitae Variant Classification Sherloc (09022015). Collection method: clinical testing. Allele origin: germline.
Comment: This sequence change creates a premature translational stop signal (p.Gly333Alafs*16) in the ST3GAL5 gene. While this is not anticipated to result in nonsense mediated decay, it is expected to disrupt the last 86 amino acid(s) of the ST3GAL5 protein. This variant is not present in population databases (gnomAD no frequency). This variant has not been reported in the literature in individuals affected with ST3GAL5-related conditions. Experimental studies and prediction algorithms are not available or were not evaluated, and the functional significance of this variant is currently unknown. This variant disrupts a region of the ST3GAL5 protein in which other variant(s) (p.Gly342Ser) have been observed in individuals with ST3GAL5-related conditions (PMID: 30576498). This suggests that this is a clinically significant region of the protein, and that variants that disrupt it are likely to be disease-causing. In summary, the available evidence is currently insufficient to determine the role of this variant in disease. Therefore, it has been classified as a Variant of Uncertain Significance.

Literature cited by the submitters: PubMed 30576498.

NM_003896.4(ST3GAL5):c.998del (p.Gly333fs)

Gene: ST3GAL5 (ST3 beta-galactoside alpha-2,3-sialyltransferase 5; minus strand). Cytogenetic location: 2p11.2.
Variant type: Deletion.
Coding change: c.998del on transcript NM_003896.4 (MANE Select); coding-DNA position 998, one base deleted (G; older notation c.998delG).
Protein change: p.Gly333fs; shifts the reading frame from glycine 333.
Molecular consequence: frameshift variant. On other transcripts: intron variant (1).
Genome position (GRCh38, 1-based): chr2:85,844,406, C deleted on the plus strand (G on the coding strand, the reverse complement: ST3GAL5 is on the minus strand); the first of 4 consecutive C bases (chr2:85,844,406-85,844,409); deleting any one gives the same sequence. VCF-style (leftmost placement, unchanged base first): chr2-85844405-GC-G. GRCh37 (hg19) VCF-style: chr2-86071528-GC-G.
Other names: c.929del, p.Gly310fs (NM_001042437.2); c.614del, p.Gly205fs (NM_001354223.2, NM_001354224.2, NM_001354226.2 and 3 more transcripts); c.914del, p.Gly305fs (NM_001354227.2, NM_001354229.2, NM_001354238.1); c.275del, p.Gly92fs (NM_001354247.1); c.849+1971del (NM_001363847.1); short protein forms G305fs, G310fs, G92fs, G205fs, G333fs.
Identifiers: ClinVar variation 2192655 (VCV002192655.1), dbSNP rs2467045078, ClinGen allele CA2580068261.